The following is an entry in ClinVar:

ClinVar aggregate classification (germline): Uncertain significance. Review status: criteria provided, multiple submitters, no conflicts (2 of 4 stars). 3 submissions from 3 submitters: Uncertain significance (3). Last evaluated 2025-09-11.

Conditions:
Inborn genetic diseases. Identifiers: MedGen C0950123, MeSH D030342.
MEGF10-related myopathy (CMYO10A). Also called: Congenital myopathy 10A, severe variant. Identifiers: Orphanet 439212, MedGen C3280679, MONDO:0013731, OMIM 614399.

Allele frequency attached by ClinVar (database versions not stated): TOPMed below 0.00001; gnomAD exomes 0.00002 and 0.00004; ExAC 0.00004.
gnomAD v4.1: 9 of 1,614,086 alleles (0.00056%); highest among the groups gnomAD compares: Admixed American, 0.015%; no homozygotes.

Submissions (3):

Ambry Genetics
Classification: Uncertain significance for Inborn genetic diseases. Last evaluated: 2025-09-11. Review status: criteria provided, single submitter. Criteria: Ambry Variant Classification Scheme 2023. Collection method: clinical testing. Allele origin: germline.

Labcorp Genetics (formerly Invitae), Labcorp
Classification: Uncertain significance for MEGF10-related myopathy. Last evaluated: 2021-09-01. Review status: criteria provided, single submitter. Criteria: Invitae Variant Classification Sherloc (09022015). Collection method: clinical testing. Allele origin: germline.
Comment: This sequence change replaces isoleucine with valine at codon 864 of the MEGF10 protein (p.Ile864Val). The isoleucine residue is moderately conserved and there is a small physicochemical difference between isoleucine and valine. This variant is present in population databases (rs780877446, ExAC 0.04%). This variant has not been reported in the literature in individuals affected with MEGF10-related conditions. Algorithms developed to predict the effect of missense changes on protein structure and function output the following: SIFT: "Tolerated"; PolyPhen-2: "Benign"; Align-GVGD: "Class C0". The valine amino acid residue is found in multiple mammalian species, which suggests that this missense change does not adversely affect protein function. In summary, the available evidence is currently insufficient to determine the role of this variant in disease. Therefore, it has been classified as a Variant of Uncertain Significance.

GeneDx
Classification: Uncertain significance. Last evaluated: 2019-12-11. Review status: criteria provided, single submitter. Criteria: GeneDx Variant Classification Process June 2021. Collection method: clinical testing. Allele origin: germline. Affected: yes.
Comment: In silico analysis supports that this missense variant does not alter protein structure/function; Has not been previously published as pathogenic or benign to our knowledge

NM_001256545.2(MEGF10):c.2590A>G (p.Ile864Val)

Gene: MEGF10 (multiple EGF like domains 10; plus strand). Cytogenetic location: 5q23.2.
Variant type: single nucleotide variant.
Coding change: c.2590A>G on transcript NM_001256545.2 (MANE Select); coding-DNA position 2590, A replaced by G.
Protein change: p.Ile864Val; replaces isoleucine 864 with valine.
Molecular consequence: missense variant.
Genome position (GRCh38, 1-based): chr5:127,445,555, A>G. VCF-style: chr5-127445555-A-G. GRCh37 (hg19) VCF-style: chr5-126781247-A-G.
Other names: c.2590A>G, p.Ile864Val (NM_032446.3); short protein forms I864V.
Identifiers: ClinVar variation 1310899 (VCV001310899.5), dbSNP rs780877446, ClinGen allele CA3391977.